The following is an entry in ClinVar:

NM_014629.4(ARHGEF10):c.1593C>G (p.Leu531=)

Gene: ARHGEF10 (Rho guanine nucleotide exchange factor 10; plus strand). Cytogenetic location: 8p23.3.
Variant type: single nucleotide variant.
Coding change: c.1593C>G on transcript NM_014629.4 (MANE Select); coding-DNA position 1593, C replaced by G.
Protein change: p.Leu531=; no amino-acid change (leucine 531 retained).
Molecular consequence: synonymous variant.
Genome position (GRCh38, 1-based): chr8:1,898,468, C>G. VCF-style: chr8-1898468-C-G. GRCh37 (hg19) VCF-style: chr8-1846634-C-G.
Other names: c.1479C>G, p.Leu493= (NM_001308152.2, NM_001438094.1); c.1593C>G, p.Leu531= (NM_001308153.3); c.1596C>G, p.Leu532= (NM_001438091.1); c.1476C>G, p.Leu492= (NM_001438092.1, NM_001438093.1).
Identifiers: ClinVar variation 5039530 (VCV005039530.1).

ClinVar aggregate classification (germline): Likely benign (1 of 4 stars; one submission).

gnomAD v4.1: 74 of 1,614,186 alleles (0.0046%); highest among the groups gnomAD compares: Non-Finnish European, 0.0061%; no homozygotes.

Submission:

CeGaT Center for Human Genetics Tuebingen
Classification: Likely benign. Last evaluated: 2026-07-01. Review status: criteria provided, single submitter. Criteria: CeGaT Center For Human Genetics Tuebingen Variant Classification Criteria Version 2. Collection method: clinical testing. Allele origin: germline. Affected: yes. Observed: 1 variant allele.
Comment: ARHGEF10: BP4, BP7